The following is an entry in ClinVar:

ClinVar aggregate classification (germline): Uncertain significance. Review status: criteria provided, multiple submitters, no conflicts (2 of 4 stars). 3 submissions from 3 submitters: Uncertain significance (3). Last evaluated 2025-06-15.

Conditions:
Epilepsy, familial focal, with variable foci 3 (FFEVF3). Identifiers: MedGen C4310708, MONDO:0014925, OMIM 617118.
Inborn genetic diseases. Identifiers: MedGen C0950123, MeSH D030342.

Allele frequency attached by ClinVar (database versions not stated): gnomAD exomes below 0.00001; gnomAD 0.00003; TOPMed 0.00005.
gnomAD v4.1: 8 of 1,562,526 alleles (0.00051%); highest among the groups gnomAD compares: African/African-American, 0.0014%; no homozygotes.

Submissions (3):

Labcorp Genetics (formerly Invitae), Labcorp
Classification: Uncertain significance for Epilepsy, familial focal, with variable foci 3. Last evaluated: 2025-06-15. Review status: criteria provided, single submitter. Criteria: Invitae Variant Classification Sherloc (09022015). Collection method: clinical testing. Allele origin: germline.
Comment: This sequence change replaces arginine, which is basic and polar, with glutamine, which is neutral and polar, at codon 401 of the NPRL3 protein (p.Arg401Gln). The frequency data for this variant in the population databases is considered unreliable, as metrics indicate poor data quality at this position in the gnomAD database. This variant has not been reported in the literature in individuals affected with NPRL3-related conditions. ClinVar contains an entry for this variant (Variation ID: 662248). Invitae Evidence Modeling of protein sequence and biophysical properties (such as structural, functional, and spatial information, amino acid conservation, physicochemical variation, residue mobility, and thermodynamic stability) indicates that this missense variant is not expected to disrupt NPRL3 protein function with a negative predictive value of 80%. In summary, the available evidence is currently insufficient to determine the role of this variant in disease. Therefore, it has been classified as a Variant of Uncertain Significance.

Ambry Genetics
Classification: Uncertain significance for Inborn genetic diseases. Last evaluated: 2024-06-25. Review status: criteria provided, single submitter. Criteria: Ambry Variant Classification Scheme 2023. Collection method: clinical testing. Allele origin: germline.

GeneDx
Classification: Uncertain significance. Last evaluated: 2023-11-08. Review status: criteria provided, single submitter. Criteria: GeneDx Variant Classification Process June 2021. Collection method: clinical testing. Allele origin: germline. Affected: yes.
Comment: In silico analysis supports that this missense variant has a deleterious effect on protein structure/function; Has not been previously published as pathogenic or benign to our knowledge; In silico analysis is inconclusive as to whether the variant alters gene splicing. In the absence of RNA/functional studies, the actual effect of this sequence change is unknown.

NM_001077350.3(NPRL3):c.1202G>A (p.Arg401Gln)

Genes: HBA-LCR (alpha-globin locus control region; plus strand), NPRL3 (NPR3 like, GATOR1 complex subunit; minus strand). Cytogenetic location: 16p13.3.
Variant type: single nucleotide variant.
Coding change: c.1202G>A on transcript NM_001077350.3 (MANE Select); coding-DNA position 1202, G replaced by A.
Protein change: p.Arg401Gln; replaces arginine 401 with glutamine.
Molecular consequence: missense variant.
Genome position (GRCh38, 1-based): chr16:89,862, C>T on the plus strand (G>A on the coding strand, the complement: NPRL3 is on the minus strand). VCF-style: chr16-89862-C-T. GRCh37 (hg19) VCF-style: chr16-139860-C-T.
Other names: c.665G>A, p.Arg222Gln (NM_001039476.3); c.968G>A, p.Arg323Gln (NM_001243247.2); c.1127G>A, p.Arg376Gln (NM_001243248.2, NM_001243249.2); short protein forms R222Q, R376Q, R323Q, R401Q.
Identifiers: ClinVar variation 662248 (VCV000662248.12), dbSNP rs868451771, ClinGen allele CA276458656.